The following is an entry in ClinVar:

ClinVar aggregate classification (germline): Uncertain significance (1 of 4 stars; one submission).

Allele frequency attached by ClinVar (database versions not stated): TOPMed below 0.00001; gnomAD 0.00001; gnomAD exomes 0.00001; ExAC 0.00003; 1000 Genomes Project 30x 0.00016.
gnomAD v4.1: 17 of 1,614,118 alleles (0.0011%); highest among the groups gnomAD compares: Middle Eastern, 0.016%; no homozygotes.

Submission:

Labcorp Genetics (formerly Invitae), Labcorp
Classification: Uncertain significance. Last evaluated: 2022-09-27. Review status: criteria provided, single submitter. Criteria: Invitae Variant Classification Sherloc (09022015). Collection method: clinical testing. Allele origin: germline.
Comment: This variant has not been reported in the literature in individuals affected with DBR1-related conditions. In summary, the available evidence is currently insufficient to determine the role of this variant in disease. Therefore, it has been classified as a Variant of Uncertain Significance. Algorithms developed to predict the effect of missense changes on protein structure and function are either unavailable or do not agree on the potential impact of this missense change (SIFT: "Deleterious"; PolyPhen-2: "Benign"; Align-GVGD: "Class C0"). This variant is present in population databases (rs778007641, gnomAD 0.01%). This sequence change replaces alanine, which is neutral and non-polar, with threonine, which is neutral and polar, at codon 372 of the DBR1 protein (p.Ala372Thr).

NM_016216.4(DBR1):c.1114G>A (p.Ala372Thr)

Gene: DBR1 (debranching RNA lariats 1; minus strand). Cytogenetic location: 3q22.3.
Variant type: single nucleotide variant.
Coding change: c.1114G>A on transcript NM_016216.4 (MANE Select); coding-DNA position 1114, G replaced by A.
Protein change: p.Ala372Thr; replaces alanine 372 with threonine.
Molecular consequence: missense variant.
Genome position (GRCh38, 1-based): chr3:138,162,410, C>T on the plus strand (G>A on the coding strand, the complement: DBR1 is on the minus strand). VCF-style: chr3-138162410-C-T. GRCh37 (hg19) VCF-style: chr3-137881252-C-T.
Other names: short protein forms A372T.
Identifiers: ClinVar variation 2132047 (VCV002132047.2), dbSNP rs778007641, ClinGen allele CA2635711.
Genomic context (GRCh38, chr3:138,162,410, plus strand): 5'-CATGATGTTCTTCCTTGGACTTCTGAAGCCTAACATTGATGTCTATGATGCCAAGTTGGG[C>T]ACAAAATTCAGTTGTCTGAGGATTGATCCTATGAATCAGCTGCATTTGTGTCTGTGGCTT-3'
Protein context (NP_057300.2, residues 362-382): RINPQTTEFC[Ala372Thr]QLGIIDINVR